The following is an entry in ClinVar:

ClinVar aggregate classification (germline): Uncertain significance (1 of 4 stars; one submission).

gnomAD v4.1: 27 of 1,613,938 alleles (0.0017%); highest among the groups gnomAD compares: East Asian, 0.056%; no homozygotes.

Submission:

Labcorp Genetics (formerly Invitae), Labcorp
Classification: Uncertain significance. Last evaluated: 2025-09-24. Review status: criteria provided, single submitter. Criteria: Invitae Variant Classification Sherloc (09022015). Collection method: clinical testing. Allele origin: germline.
Comment: This sequence change replaces lysine, which is basic and polar, with arginine, which is basic and polar, at codon 693 of the TFRC protein (p.Lys693Arg). This variant is present in population databases (rs770731307, gnomAD 0.07%), and has an allele count higher than expected for a pathogenic variant. This variant has not been reported in the literature in individuals affected with TFRC-related conditions. ClinVar contains an entry for this variant (Variation ID: 3610548). Invitae Evidence Modeling of protein sequence and biophysical properties (such as structural, functional, and spatial information, amino acid conservation, physicochemical variation, residue mobility, and thermodynamic stability) indicates that this missense variant is not expected to disrupt TFRC protein function with a negative predictive value of 80%. In summary, the available evidence is currently insufficient to determine the role of this variant in disease. Therefore, it has been classified as a Variant of Uncertain Significance.

NM_001128148.3(TFRC):c.2078A>G (p.Lys693Arg)

Gene: TFRC (transferrin receptor; minus strand). Cytogenetic location: 3q29.
Variant type: single nucleotide variant.
Coding change: c.2078A>G on transcript NM_001128148.3 (MANE Select); coding-DNA position 2078, A replaced by G.
Protein change: p.Lys693Arg; replaces lysine 693 with arginine.
Molecular consequence: missense variant.
Genome position (GRCh38, 1-based): chr3:196,052,147, T>C on the plus strand (A>G on the coding strand, the complement: TFRC is on the minus strand). VCF-style: chr3-196052147-T-C. GRCh37 (hg19) VCF-style: chr3-195779018-T-C.
Other names: c.1835A>G, p.Lys612Arg (NM_001313965.2); c.1232A>G, p.Lys411Arg (NM_001313966.2); c.2078A>G, p.Lys693Arg (NM_003234.4); short protein forms K411R, K612R, K693R.
Identifiers: ClinVar variation 3610548 (VCV003610548.2).
Genomic context (GRCh38, chr3:196,052,147, plus strand): 5'-AGTAAAGCTGGCAGCGTGTGAGAGCCGGAGCCCCAGAAGACATGTCGGAAAGGAGACTCT[T>C]TTGGAGATACGTAGGGAGAGAGGAAGTGATACTCCACCTACGAAAACAACACACAAGGCA-3'
Protein context (NP_001121620.1, residues 683-703): YHFLSPYVSP[Lys693Arg]ESPFRHVFWG